The following is an entry in ClinVar:

NM_198578.4(LRRK2):c.4651A>G (p.Lys1551Glu)

Gene: LRRK2 (leucine rich repeat kinase 2; plus strand). Cytogenetic location: 12q12.
Variant type: single nucleotide variant.
Coding change: c.4651A>G on transcript NM_198578.4 (MANE Select); coding-DNA position 4651, A replaced by G.
Protein change: p.Lys1551Glu; replaces lysine 1551 with glutamic acid.
Molecular consequence: missense variant.
Genome position (GRCh38, 1-based): chr12:40,314,086, A>G. VCF-style: chr12-40314086-A-G. GRCh37 (hg19) VCF-style: chr12-40707888-A-G.
Other names: short protein forms K1551E.
Identifiers: ClinVar variation 1742185 (VCV001742185.4), dbSNP rs1945126929, ClinGen allele CA384418976.
Genomic context (GRCh38, chr12:40,314,086, plus strand): 5'-GAAAAAATCATTTTATCGGAGCGTAAAAATGTGCCAATTGAATTTCCCGTAATTGACCGG[A>G]AACGATTATTACAACTAGTGAGAGAAAATCAGCTGCAGTTAGATGAAAATGAGCTTCCTC-3'
Protein context (NP_940980.4, residues 1541-1561): VPIEFPVIDR[Lys1551Glu]RLLQLVRENQ

ClinVar aggregate classification (germline): Uncertain significance. Review status: criteria provided, multiple submitters, no conflicts (2 of 4 stars). 2 submissions from 2 submitters: Uncertain significance (2). Last evaluated 2024-08-15.

Conditions:
Autosomal dominant Parkinson disease 8. Also called: Parkinson disease 8, susceptibility to; LRRK2-Related Parkinson Disease; Parkinson disease 8. Identifiers: Orphanet 411602, MedGen C1846862, MONDO:0011764, OMIM 607060.
Inborn genetic diseases. Identifiers: MedGen C0950123, MeSH D030342.

Submissions (2):

Labcorp Genetics (formerly Invitae), Labcorp
Classification: Uncertain significance for Autosomal dominant Parkinson disease 8. Last evaluated: 2024-08-15. Review status: criteria provided, single submitter. Criteria: Invitae Variant Classification Sherloc (09022015). Collection method: clinical testing. Allele origin: germline.
Comment: This sequence change replaces lysine, which is basic and polar, with glutamic acid, which is acidic and polar, at codon 1551 of the LRRK2 protein (p.Lys1551Glu). This variant is not present in population databases (gnomAD no frequency). This variant has not been reported in the literature in individuals affected with LRRK2-related conditions. ClinVar contains an entry for this variant (Variation ID: 1742185). Invitae Evidence Modeling of protein sequence and biophysical properties (such as structural, functional, and spatial information, amino acid conservation, physicochemical variation, residue mobility, and thermodynamic stability) has been performed for this missense variant. However, the output from this modeling did not meet the statistical confidence thresholds required to predict the impact of this variant on LRRK2 protein function. In summary, the available evidence is currently insufficient to determine the role of this variant in disease. Therefore, it has been classified as a Variant of Uncertain Significance.

Ambry Genetics
Classification: Uncertain significance for Inborn genetic diseases. Last evaluated: 2022-01-21. Review status: criteria provided, single submitter. Criteria: Ambry Variant Classification Scheme 2023. Collection method: clinical testing. Allele origin: germline.
Comment: The p.K1551E variant (also known as c.4651A>G), located in coding exon 32 of the LRRK2 gene, results from an A to G substitution at nucleotide position 4651. The lysine at codon 1551 is replaced by glutamic acid, an amino acid with similar properties. This amino acid position is conserved. In addition, the in silico prediction for this alteration is inconclusive. Since supporting evidence is limited at this time, the clinical significance of this alteration remains unclear.